The following is an entry in ClinVar:

ClinVar aggregate classification (germline): Pathogenic. Review status: criteria provided, multiple submitters, no conflicts (2 of 4 stars). 8 submissions from 8 submitters: Pathogenic (7). 1 of the submissions does not count toward it. Last evaluated 2024-10-04.

Conditions:
CTU2-related disorder. Also called: CTU2-related condition.
Microcephaly, facial dysmorphism, renal agenesis, and ambiguous genitalia syndrome. Identifiers: MedGen C4748348, MONDO:0020647, OMIM 618142.
Microcephaly. Also called: Microcephaly (disease). Identifiers: MedGen C4551563, MONDO:0001149, HP:0000252.

Allele frequency attached by ClinVar (database versions not stated): TOPMed 0.00002.
gnomAD v4.1: 16 of 1,575,520 alleles (0.001%); highest among the groups gnomAD compares: Middle Eastern, 0.034%; no homozygotes.

Submissions (8):

Dubai Health Genomic Medicine Center, Dubai Health
Classification: Pathogenic for Microcephaly. Last evaluated: 2024-10-04. Review status: criteria provided, single submitter. Criteria: ACMG Guidelines, 2015. Collection method: research. Allele origin: germline. Affected: yes.
Comment: PVS1,PM3(very strong),PP1,PM2

Labcorp Genetics (formerly Invitae), Labcorp
Classification: Pathogenic. Last evaluated: 2024-07-17. Review status: criteria provided, single submitter. Criteria: Invitae Variant Classification Sherloc (09022015). Collection method: clinical testing. Allele origin: germline.
Comment: This sequence change affects codon 291 of the CTU2 mRNA. It is a 'silent' change, meaning that it does not change the encoded amino acid sequence of the CTU2 protein. RNA analysis indicates that this variant induces altered splicing and may result in an absent or disrupted protein product. However, the current clinical and genetic evidence is not sufficient to establish whether loss-of-function variants in CTU2 cause disease. This variant is present in population databases (rs769481947, gnomAD 0.001%). This variant has been observed in individuals with CTU2-related conditions (PMID: 26633546). It has also been observed to segregate with disease in related individuals. ClinVar contains an entry for this variant (Variation ID: 585016). Variants that disrupt the consensus splice site are a relatively common cause of aberrant splicing (PMID: 17576681, 9536098). Studies have shown that this variant results in activation of a cryptic splice site and introduces a premature termination codon (PMID: 26633546). The resulting mRNA is expected to undergo nonsense-mediated decay. For these reasons, this variant has been classified as Pathogenic.

Genomic Medicine Center of Excellence, King Faisal Specialist Hospital and Research Centre
Classification: Pathogenic for Microcephaly, facial dysmorphism, renal agenesis, and ambiguous genitalia syndrome. Last evaluated: 2024-03-14. Review status: criteria provided, single submitter. Criteria: ACMG Guidelines, 2015. Collection method: research. Allele origin: germline.

Daryl Scott Lab, Baylor College of Medicine
Classification: Pathogenic for Microcephaly, facial dysmorphism, renal agenesis, and ambiguous genitalia syndrome. Last evaluated: 2024-01-01. Review status: criteria provided, single submitter. Criteria: ACMG Guidelines, 2015. Collection method: clinical testing. Allele origin: biparental. Affected: yes. Observed: 1 homozygote.
Comment: PVS1, PS3, PM2, PM3, PP1

3billion
Classification: Pathogenic for Microcephaly, facial dysmorphism, renal agenesis, and ambiguous genitalia syndrome. Last evaluated: 2022-01-03. Review status: criteria provided, single submitter. Criteria: ACMG Guidelines, 2015. Collection method: clinical testing. Allele origin: germline. Affected: yes. Observed: 1 homozygote.
Comment: Synonymous variant: previously reported to alter splicing and result in a loss of normal protein fucnction through nonsense-mediated decay (NMD) or protein truncation (PMID: 26633546, PVS1_VS). The variant was co-segregated with Microcephaly, facial dysmorphism, renal agenesis, and ambiguous genitalia syndrome in multiple affected family members (PMID: 27480277, PP1_P). It is observed at an extremely low frequency in the gnomAD v2.1.1 dataset (total allele frequency: 0.000009, PM2_M). The variant has been reported to be in trans with a pathogenic variant as either compound heterozygous or homozygous in at least one similarly affected unrelated individual (PMID: 27480277, 26633546, 3billion dataset). Therefore, this variant is classified as pathogenic according to the recommendation of ACMG/AMP guideline.

Baylor Genetics
Classification: Pathogenic for Microcephaly, facial dysmorphism, renal agenesis, and ambiguous genitalia syndrome. Last evaluated: 2020-06-03. Review status: criteria provided, single submitter. Criteria: ACMG Guidelines, 2015. Collection method: clinical testing. Allele origin: unknown. Affected: yes.
Comment: This variant was determined to be pathogenic according to ACMG Guidelines, 2015 [PMID:25741868].

Blueprint Genetics
Classification: Pathogenic for CTU2-related disorders. Last evaluated: 2020-03-14. Review status: criteria provided, single submitter. Criteria: ACMG Guidelines, 2015. Collection method: clinical testing. Allele origin: germline. Affected: yes. Observed: 3 variant alleles.

OMIM
Classification: Pathogenic for MICROCEPHALY, FACIAL DYSMORPHISM, RENAL AGENESIS, AND AMBIGUOUS GENITALIA SYNDROME. Last evaluated: 2025-11-26. Review status: no assertion criteria provided. Collection method: literature only. Allele origin: germline. Not counted in ClinVar's aggregate classification.

Literature cited by the submitters: PubMed 26633546 (cited by 3 submitters); PubMed 17576681 (cited by Labcorp Genetics (formerly Invitae), Labcorp); PubMed 9536098 (cited by Labcorp Genetics (formerly Invitae), Labcorp); PubMed 27480277 (cited by 3billion and OMIM); PubMed 34853893 (cited by OMIM).

NM_001012759.3(CTU2):c.873G>A (p.Thr291=)

Gene: CTU2 (cytosolic thiouridylase subunit 2; plus strand). Cytogenetic location: 16q24.3.
Variant type: single nucleotide variant.
Coding change: c.873G>A on transcript NM_001012759.3 (MANE Select); coding-DNA position 873, G replaced by A.
Protein change: p.Thr291=; no amino-acid change (threonine 291 retained).
Molecular consequence: synonymous variant.
Genome position (GRCh38, 1-based): chr16:88,713,447, G>A. VCF-style: chr16-88713447-G-A. GRCh37 (hg19) VCF-style: chr16-88779855-G-A.
Other names: T247T; c.873G>A, p.Thr291= (NM_001012762.3); c.1086G>A, p.Thr362= (NM_001318507.2); c.612G>A, p.Thr204= (NM_001318513.2).
Identifiers: ClinVar variation 585016 (VCV000585016.11), dbSNP rs769481947, ClinGen allele CA8230586.